The following continues an entry in ClinVar:

NM_000135.4(FANCA):c.2151G>T (p.Met717Ile)

Gene: FANCA. ClinVar aggregate classification (germline): Benign/Likely benign. Benign (8); Likely benign (5).

Submissions 69 to 79 of 79:

Dr. Peter K. Rogan Lab, Western University
No classification provided (evidence only). Condition: Cholangiocarcinoma. Review status: no classification provided. Collection method: in vitro. Allele origin: not applicable. Functional consequence: retained intron. Not counted in ClinVar's aggregate classification.

Dr. Peter K. Rogan Lab, Western University
No classification provided (evidence only). Condition: Adrenocortical carcinoma, hereditary. Review status: no classification provided. Collection method: in vitro. Allele origin: not applicable. Functional consequence: retained intron. Not counted in ClinVar's aggregate classification.

Dr. Peter K. Rogan Lab, Western University
No classification provided (evidence only). Condition: Uterine carcinosarcoma. Review status: no classification provided. Collection method: in vitro. Allele origin: not applicable. Functional consequence: retained intron. Not counted in ClinVar's aggregate classification.

Dr. Peter K. Rogan Lab, Western University
No classification provided (evidence only). Condition: Uterine carcinosarcoma. Review status: no classification provided. Collection method: in vitro. Allele origin: not applicable. Functional consequence: retained intron. Not counted in ClinVar's aggregate classification.

Dr. Peter K. Rogan Lab, Western University
No classification provided (evidence only). Condition: Uveal melanoma. Review status: no classification provided. Collection method: in vitro. Allele origin: not applicable. Functional consequence: retained intron. Not counted in ClinVar's aggregate classification.

Dr. Peter K. Rogan Lab, Western University
No classification provided (evidence only). Condition: Uveal melanoma. Review status: no classification provided. Collection method: in vitro. Allele origin: not applicable. Functional consequence: retained intron. Not counted in ClinVar's aggregate classification.

Dr. Peter K. Rogan Lab, Western University
No classification provided (evidence only). Condition: Malignant tumor of esophagus. Review status: no classification provided. Collection method: in vitro. Allele origin: not applicable. Functional consequence: retained intron. Not counted in ClinVar's aggregate classification.

Dr. Peter K. Rogan Lab, Western University
No classification provided (evidence only). Condition: Malignant tumor of esophagus. Review status: no classification provided. Collection method: in vitro. Allele origin: not applicable. Functional consequence: retained intron. Not counted in ClinVar's aggregate classification.

Dr. Peter K. Rogan Lab, Western University
No classification provided (evidence only). Condition: Lymphoma. Review status: no classification provided. Collection method: in vitro. Allele origin: not applicable. Functional consequence: retained intron. Not counted in ClinVar's aggregate classification.

Genome Diagnostics Laboratory, Amsterdam University Medical Center
Classification: Benign. Review status: no assertion criteria provided. Collection method: clinical testing. Allele origin: germline. Affected: yes. Study: VKGL Data-share Consensus. Not counted in ClinVar's aggregate classification.

Laboratory of Diagnostic Genome Analysis, Leiden University Medical Center (LUMC)
Classification: Likely benign. Review status: no assertion criteria provided. Collection method: clinical testing. Allele origin: germline. Affected: yes. Study: VKGL Data-share Consensus. Not counted in ClinVar's aggregate classification.

Literature cited by the submitters: PubMed 10521298 (cited by Quest Diagnostics Nichols Institute San Juan Capistrano); PubMed 23021409 (cited by Quest Diagnostics Nichols Institute San Juan Capistrano); PubMed 14695169 (cited by Quest Diagnostics Nichols Institute San Juan Capistrano); PubMed 24728327 (cited by ITMI).